The following is an entry in ClinVar:

NM_000122.2(ERCC3):c.1527+3A>G

Gene: ERCC3 (ERCC excision repair 3, TFIIH core complex helicase subunit; minus strand). Cytogenetic location: 2q14.3.
Variant type: single nucleotide variant.
Coding change: c.1527+3A>G on transcript NM_000122.2 (MANE Select); 3 bases into the intron after coding-DNA position 1527, A replaced by G.
Molecular consequence: intron variant.
Genome position (GRCh38, 1-based): chr2:127,280,444, T>C on the plus strand (A>G on the coding strand, the complement: ERCC3 is on the minus strand). VCF-style: chr2-127280444-T-C. GRCh37 (hg19) VCF-style: chr2-128038020-T-C.
Other names: c.1335+3A>G (NM_001303416.2, NM_001303418.2).
Identifiers: ClinVar variation 2183605 (VCV002183605.4), dbSNP rs749165986, ClinGen allele CA1858252.
Genomic context (GRCh38, chr2:127,280,444, plus strand): 5'-GATCACTCCCCTGCCCATAGGAGGAGGCCCTTTCCCAGACGCCCCCAGCCCAGGCCCAGC[T>C]ACCTCAGCACACTGGACTTTGGCGATGTAGCCATTATTCTGCAGCTCCATCCAGTTGGCT-3'

ClinVar aggregate classification (germline): Uncertain significance (1 of 4 stars; one submission).

Allele frequency attached by ClinVar (database versions not stated): TOPMed below 0.00001; ExAC 0.00001; gnomAD exomes 0.00001.
gnomAD v4.1: 4 of 1,610,542 alleles (0.00025%); highest among the groups gnomAD compares: Admixed American, 0.005%; no homozygotes.

Submission:

Labcorp Genetics (formerly Invitae), Labcorp
Classification: Uncertain significance. Last evaluated: 2024-05-21. Review status: criteria provided, single submitter. Criteria: Invitae Variant Classification Sherloc (09022015). Collection method: clinical testing. Allele origin: germline.
Comment: This sequence change falls in intron 9 of the ERCC3 gene. It does not directly change the encoded amino acid sequence of the ERCC3 protein. It affects a nucleotide within the consensus splice site. This variant is present in population databases (rs749165986, gnomAD 0.003%). This variant has not been reported in the literature in individuals affected with ERCC3-related conditions. ClinVar contains an entry for this variant (Variation ID: 2183605). Variants that disrupt the consensus splice site are a relatively common cause of aberrant splicing (PMID: 17576681, 9536098). Algorithms developed to predict the effect of sequence changes on RNA splicing suggest that this variant may disrupt the consensus splice site. In summary, the available evidence is currently insufficient to determine the role of this variant in disease. Therefore, it has been classified as a Variant of Uncertain Significance.

Literature cited by the submitters: PubMed 17576681; PubMed 9536098.